The following is an entry in ClinVar:

NM_000051.4(ATM):c.2997A>C (p.Lys999Asn)

Gene: ATM (ATM serine/threonine kinase; plus strand). Cytogenetic location: 11q22.3.
Variant type: single nucleotide variant.
Coding change: c.2997A>C on transcript NM_000051.4 (MANE Select); coding-DNA position 2997, A replaced by C.
Protein change: p.Lys999Asn; replaces lysine 999 with asparagine.
Molecular consequence: missense variant.
Genome position (GRCh38, 1-based): chr11:108,271,326, A>C. VCF-style: chr11-108271326-A-C. GRCh37 (hg19) VCF-style: chr11-108142053-A-C.
Other names: c.2997A>C, p.Lys999Asn (NM_001351834.2); short protein forms K999N.
Identifiers: ClinVar variation 1798582 (VCV001798582.5), dbSNP rs1263566342, ClinGen allele CA382547378.

ClinVar aggregate classification (germline): Uncertain significance. Review status: criteria provided, multiple submitters, no conflicts (2 of 4 stars). 2 submissions from 2 submitters: Uncertain significance (2). Last evaluated 2023-06-09.

Conditions:
Hereditary cancer-predisposing syndrome. Also called: Neoplastic Syndromes, Hereditary; Tumor predisposition; Hereditary neoplastic syndrome; Hereditary Cancer Syndrome. Identifiers: Orphanet 140162, MedGen C0027672, MeSH D009386, MONDO:0015356.
Ataxia-telangiectasia syndrome (AT). Also called: Ataxia-telangiectasia, complementation group D; AT, COMPLEMENTATION GROUP C; ATAXIA-TELANGIECTASIA, COMPLEMENTATION GROUP A; ATAXIA-TELANGIECTASIA, FRESNO VARIANT; Ataxia-telangiectasia; LOUIS-BAR SYNDROME. Identifiers: Orphanet 100, MedGen C0004135, MONDO:0008840, OMIM 208900.

Allele frequency attached by ClinVar (database versions not stated): gnomAD exomes below 0.00001.
gnomAD v4.1: 1 of 1,614,094 alleles (0.000062%); highest among the groups gnomAD compares: East Asian, 0.0022%; no homozygotes.

Submissions (2):

Labcorp Genetics (formerly Invitae), Labcorp
Classification: Uncertain significance for Ataxia-telangiectasia syndrome. Last evaluated: 2023-06-09. Review status: criteria provided, single submitter. Criteria: Invitae Variant Classification Sherloc (09022015). Collection method: clinical testing. Allele origin: germline.
Comment: In summary, the available evidence is currently insufficient to determine the role of this variant in disease. Therefore, it has been classified as a Variant of Uncertain Significance. An algorithm developed to predict the effect of missense changes on protein structure and function (PolyPhen-2) suggests that this variant is likely to be tolerated. ClinVar contains an entry for this variant (Variation ID: 1798582). This variant has not been reported in the literature in individuals affected with ATM-related conditions. This variant is present in population databases (no rsID available, gnomAD 0.006%). This sequence change replaces lysine, which is basic and polar, with asparagine, which is neutral and polar, at codon 999 of the ATM protein (p.Lys999Asn).

Ambry Genetics
Classification: Uncertain significance for Hereditary cancer-predisposing syndrome. Last evaluated: 2021-09-27. Review status: criteria provided, single submitter. Criteria: Ambry Variant Classification Scheme 2023. Collection method: clinical testing. Allele origin: germline.
Comment: The p.K999N variant (also known as c.2997A>C), located in coding exon 19 of the ATM gene, results from an A to C substitution at nucleotide position 2997. The lysine at codon 999 is replaced by asparagine, an amino acid with similar properties. This amino acid position is conserved. In addition, this alteration is predicted to be tolerated by in silico analysis. Since supporting evidence is limited at this time, the clinical significance of this alteration remains unclear.